The following is an entry in ClinVar:

ClinVar aggregate classification (germline): Uncertain significance. Review status: criteria provided, multiple submitters, no conflicts (2 of 4 stars). 2 submissions from 2 submitters: Uncertain significance (2). Last evaluated 2025-08-27.

Conditions:
Cystic fibrosis (CF). Also called: MUCOVISCIDOSIS. Identifiers: Orphanet 586, MedGen C0010674, MONDO:0009061, OMIM 219700. Disease mechanism: loss of function.

Allele frequency attached by ClinVar (database versions not stated): TOPMed below 0.00001; ExAC 0.00001; 1000 Genomes Project 0.00020; 1000 Genomes Project 30x 0.00031; gnomAD 0.00001; gnomAD exomes 0.00001.
gnomAD v4.1: 10 of 1,611,726 alleles (0.00062%); highest among the groups gnomAD compares: Admixed American, 0.013%; no homozygotes.

Submissions (2):

Ambry Genetics
Classification: Uncertain significance for Cystic fibrosis. Last evaluated: 2025-08-27. Review status: criteria provided, single submitter. Criteria: Ambry Variant Classification Scheme 2023. Collection method: clinical testing. Allele origin: germline.
Comment: The p.H1054Q variant (also known as c.3162T>A), located in coding exon 20 of the CFTR gene, results from a T to A substitution at nucleotide position 3162. The histidine at codon 1054 is replaced by glutamine, an amino acid with highly similar properties. This amino acid position is highly conserved in available vertebrate species. In addition, this alteration is predicted to be deleterious by in silico analysis. Based on the available evidence, the clinical significance of this variant remains unclear.

Labcorp Genetics (formerly Invitae), Labcorp
Classification: Uncertain significance for Cystic fibrosis. Last evaluated: 2024-12-02. Review status: criteria provided, single submitter. Criteria: Invitae Variant Classification Sherloc (09022015). Collection method: clinical testing. Allele origin: germline.
Comment: This sequence change replaces histidine, which is basic and polar, with glutamine, which is neutral and polar, at codon 1054 of the CFTR protein (p.His1054Gln). This variant is present in population databases (rs199990040, gnomAD 0.006%). This variant has not been reported in the literature in individuals affected with CFTR-related conditions. ClinVar contains an entry for this variant (Variation ID: 1905338). Invitae Evidence Modeling of protein sequence and biophysical properties (such as structural, functional, and spatial information, amino acid conservation, physicochemical variation, residue mobility, and thermodynamic stability) indicates that this missense variant is expected to disrupt CFTR protein function with a positive predictive value of 80%. This variant disrupts the p.His1054 amino acid residue in CFTR. Other variant(s) that disrupt this residue have been determined to be pathogenic (PMID: 7505690, 8662892, 23891399; internal data). This suggests that this residue is clinically significant, and that variants that disrupt this residue are likely to be disease-causing. In summary, the available evidence is currently insufficient to determine the role of this variant in disease. Therefore, it has been classified as a Variant of Uncertain Significance.

Literature cited by the submitters: PubMed 7505690 (cited by Labcorp Genetics (formerly Invitae), Labcorp); PubMed 8662892 (cited by Labcorp Genetics (formerly Invitae), Labcorp); PubMed 23891399 (cited by Labcorp Genetics (formerly Invitae), Labcorp).

NM_000492.4(CFTR):c.3162T>A (p.His1054Gln)

Genes: CFTR (CF transmembrane conductance regulator; plus strand), CFTR-AS2 (CFTR antisense RNA 2; minus strand), LOC111674472 (DNase I hypersensitive sites in introns 16 and 17a of CFTR; plus strand). Cytogenetic location: 7q31.2.
Variant type: single nucleotide variant.
Coding change: c.3162T>A on transcript NM_000492.4 (MANE Select); coding-DNA position 3162, T replaced by A.
Protein change: p.His1054Gln; replaces histidine 1054 with glutamine.
Molecular consequence: missense variant.
Genome position (GRCh38, 1-based): chr7:117,611,603, T>A. VCF-style: chr7-117611603-T-A. GRCh37 (hg19) VCF-style: chr7-117251657-T-A.
Other names: short protein forms H1054Q.
Identifiers: ClinVar variation 1905338 (VCV001905338.6), dbSNP rs199990040, ClinGen allele CA4451405.
Genomic context (GRCh38, chr7:117,611,603, plus strand): 5'-ATGTTATTTGCAATGTTTTCTATGGAAATATTTCACAGGCAGGAGTCCAATTTTCACTCA[T>A]CTTGTTACAAGCTTAAAAGGACTATGGACACTTCGTGCCTTCGGACGGCAGCCTTACTTT-3'
Protein context (NP_000483.3, residues 1044-1064): ESEGRSPIFT[His1054Gln]LVTSLKGLWT